The following is an entry in ClinVar:

NM_001353345.2(SETD1B):c.2403G>A (p.Ala801=)

Gene: SETD1B (SET domain containing 1B, histone lysine methyltransferase; plus strand). Cytogenetic location: 12q24.31.
Variant type: single nucleotide variant.
Coding change: c.2403G>A on transcript NM_001353345.2 (MANE Select); coding-DNA position 2403, G replaced by A.
Protein change: p.Ala801=; no amino-acid change (alanine 801 retained).
Molecular consequence: synonymous variant.
Genome position (GRCh38, 1-based): chr12:121,814,618, G>A. VCF-style: chr12-121814618-G-A. GRCh37 (hg19) VCF-style: chr12-122252524-G-A.
Other names: NM_015048.1:c.2403G>A.
Identifiers: ClinVar variation 3036996 (VCV003036996.5), dbSNP rs748729349, ClinGen allele CA6838944.

ClinVar aggregate classification (germline): Likely benign. Review status: criteria provided, multiple submitters, no conflicts (2 of 4 stars). 3 submissions from 3 submitters: Likely benign (2). 1 of the submissions does not count toward it. Last evaluated 2026-06-01.

Conditions:
SETD1B-related disorder. Also called: SETD1B-related condition.

Allele frequency attached by ClinVar (database versions not stated): gnomAD exomes 0.00001; gnomAD 0.00005; ExAC 0.00009; TOPMed 0.00009.
gnomAD v4.1: 24 of 1,543,170 alleles (0.0016%); highest among the groups gnomAD compares: African/African-American, 0.0041%; no homozygotes.

Submissions (3):

CeGaT Center for Human Genetics Tuebingen
Classification: Likely benign. Last evaluated: 2026-06-01. Review status: criteria provided, single submitter. Criteria: CeGaT Center For Human Genetics Tuebingen Variant Classification Criteria Version 2. Collection method: clinical testing. Allele origin: germline. Affected: yes. Observed: 1 variant allele.
Comment: SETD1B: BP4, BP7

Breakthrough Genomics
Classification: Likely benign. Review status: criteria provided, single submitter. Criteria: ACMG Guidelines, 2015. Collection method: not provided. Allele origin: germline. Inheritance: Autosomal dominant inheritance. Affected: yes.

PreventionGenetics, part of Exact Sciences
Classification: Likely benign for SETD1B-related condition. Last evaluated: 2023-07-29. Review status: no assertion criteria provided. Collection method: clinical testing. Allele origin: germline. Not counted in ClinVar's aggregate classification.
Comment: This variant is classified as likely benign based on ACMG/AMP sequence variant interpretation guidelines (Richards et al. 2015 PMID: 25741868, with internal and published modifications).